The following is an entry in ClinVar:

ClinVar aggregate classification (germline): Uncertain significance (1 of 4 stars; one submission).

Conditions:
Progressive encephalopathy with leukodystrophy due to DECR deficiency. Identifiers: Orphanet 431361, MedGen C1857252, MONDO:0014464, OMIM 616034.

Allele frequency attached by ClinVar (database versions not stated): TOPMed below 0.00001.

Submission:

Labcorp Genetics (formerly Invitae), Labcorp
Classification: Uncertain significance for Progressive encephalopathy with leukodystrophy due to DECR deficiency. Last evaluated: 2024-11-05. Review status: criteria provided, single submitter. Criteria: Invitae Variant Classification Sherloc (09022015). Collection method: clinical testing. Allele origin: germline.
Comment: This sequence change replaces histidine, which is basic and polar, with asparagine, which is neutral and polar, at codon 115 of the NADK2 protein (p.His115Asn). This variant is not present in population databases (gnomAD no frequency). This variant has not been reported in the literature in individuals affected with NADK2-related conditions. ClinVar contains an entry for this variant (Variation ID: 1519157). Invitae Evidence Modeling of protein sequence and biophysical properties (such as structural, functional, and spatial information, amino acid conservation, physicochemical variation, residue mobility, and thermodynamic stability) indicates that this missense variant is not expected to disrupt NADK2 protein function with a negative predictive value of 80%. In summary, the available evidence is currently insufficient to determine the role of this variant in disease. Therefore, it has been classified as a Variant of Uncertain Significance.

NM_001085411.3(NADK2):c.343C>A (p.His115Asn)

Gene: NADK2 (NAD kinase 2, mitochondrial; minus strand). Cytogenetic location: 5p13.2.
Variant type: single nucleotide variant.
Coding change: c.343C>A on transcript NM_001085411.3 (MANE Select); coding-DNA position 343, C replaced by A.
Protein change: p.His115Asn; replaces histidine 115 with asparagine.
Molecular consequence: missense variant. On other transcripts: 5 prime UTR variant (3).
Genome position (GRCh38, 1-based): chr5:36,227,523, G>T on the plus strand (C>A on the coding strand, the complement: NADK2 is on the minus strand). VCF-style: chr5-36227523-G-T. GRCh37 (hg19) VCF-style: chr5-36227625-G-T.
Other names: c.-147C>A (NM_001287340.2, NM_001287341.2, NM_153013.5); short protein forms H115N.
Identifiers: ClinVar variation 1519157 (VCV001519157.6), dbSNP rs1747529025, ClinGen allele CA359444753.